The following is an entry in ClinVar:

NM_004064.5(CDKN1B):c.145T>G (p.Cys49Gly)

Gene: CDKN1B (cyclin dependent kinase inhibitor 1B; plus strand). Cytogenetic location: 12p13.1.
Variant type: single nucleotide variant.
Coding change: c.145T>G on transcript NM_004064.5 (MANE Select); coding-DNA position 145, T replaced by G.
Protein change: p.Cys49Gly; replaces cysteine 49 with glycine.
Molecular consequence: missense variant.
Genome position (GRCh38, 1-based): chr12:12,717,984, T>G. VCF-style: chr12-12717984-T-G. GRCh37 (hg19) VCF-style: chr12-12870918-T-G.
Other names: short protein forms C49G.
Identifiers: ClinVar variation 1426813 (VCV001426813.6), dbSNP rs2136355643, ClinGen allele CA383968955.

ClinVar aggregate classification (germline): Uncertain significance (1 of 4 stars; one submission).

Conditions:
Multiple endocrine neoplasia type 4. Also called: MULTIPLE ENDOCRINE NEOPLASIA, TYPE IV. Identifiers: Orphanet 276152, MedGen C1970712, MONDO:0012552, OMIM 610755.

Submission:

Labcorp Genetics (formerly Invitae), Labcorp
Classification: Uncertain significance for Multiple endocrine neoplasia type 4. Last evaluated: 2021-08-31. Review status: criteria provided, single submitter. Criteria: Invitae Variant Classification Sherloc (09022015). Collection method: clinical testing. Allele origin: germline.
Comment: This variant is not present in population databases (ExAC no frequency). This sequence change replaces cysteine with glycine at codon 49 of the CDKN1B protein (p.Cys49Gly). The cysteine residue is highly conserved and there is a large physicochemical difference between cysteine and glycine. This variant has not been reported in the literature in individuals affected with CDKN1B-related conditions. In summary, the available evidence is currently insufficient to determine the role of this variant in disease. Therefore, it has been classified as a Variant of Uncertain Significance. Algorithms developed to predict the effect of missense changes on protein structure and function (SIFT, PolyPhen-2, Align-GVGD) all suggest that this variant is likely to be tolerated.